The following is an entry in ClinVar:

ClinVar aggregate classification (germline): Uncertain significance (1 of 4 stars; one submission).

Submission:

Ambry Genetics
Classification: Uncertain significance. Last evaluated: 2026-05-17. Review status: criteria provided, single submitter. Criteria: Ambry Variant Classification Scheme 2023. Collection method: clinical testing. Allele origin: germline.
Comment: The p.E542D variant (also known as c.1626A>T), located in coding exon 13 of the GEN1 gene, results from an A to T substitution at nucleotide position 1626. The glutamic acid at codon 542 is replaced by aspartic acid, an amino acid with highly similar properties. This amino acid position is conserved. In addition, this alteration is predicted to be tolerated by in silico analysis. Based on the available evidence, the clinical significance of this variant remains unclear.

NM_001130009.3(GEN1):c.1626A>T (p.Glu542Asp)

Gene: GEN1 (GEN1 structure-specific endonuclease; plus strand). Cytogenetic location: 2p24.2.
Variant type: single nucleotide variant.
Coding change: c.1626A>T on transcript NM_001130009.3 (MANE Select); coding-DNA position 1626, A replaced by T.
Protein change: p.Glu542Asp; replaces glutamic acid 542 with aspartic acid.
Molecular consequence: missense variant.
Genome position (GRCh38, 1-based): chr2:17,780,838, A>T. VCF-style: chr2-17780838-A-T. GRCh37 (hg19) VCF-style: chr2-17962105-A-T.
Other names: c.1626A>T, p.Glu542Asp (NM_182625.5); short protein forms E542D.
Identifiers: ClinVar variation 4857984 (VCV004857984.1).
Genomic context (GRCh38, chr2:17,780,838, plus strand): 5'-TTCTGCCTCATTGAATAGCTTGCTTTTACCTAAAAATACTCCATGTTTGAATGCACAAGA[A>T]CAGTTCATGTCTTCTCTAAGACCTTTGGCTATACAGCAAATTAAAGCTGTCAGTAAGTCT-3'
Protein context (NP_001123481.3, residues 532-552): PKNTPCLNAQ[Glu542Asp]QFMSSLRPLA